The following is an entry in ClinVar:

ClinVar aggregate classification (germline): Uncertain significance (1 of 4 stars; one submission).

Allele frequency attached by ClinVar (database versions not stated): ExAC 0.00001.

Submission:

Labcorp Genetics (formerly Invitae), Labcorp
Classification: Uncertain significance. Last evaluated: 2024-04-08. Review status: criteria provided, single submitter. Criteria: Invitae Variant Classification Sherloc (09022015). Collection method: clinical testing. Allele origin: germline.
Comment: This sequence change replaces phenylalanine, which is neutral and non-polar, with cysteine, which is neutral and slightly polar, at codon 800 of the LZTR1 protein (p.Phe800Cys). This variant is present in population databases (rs745373483, gnomAD 0.003%). This variant has not been reported in the literature in individuals affected with LZTR1-related conditions. ClinVar contains an entry for this variant (Variation ID: 1720019). Advanced modeling of protein sequence and biophysical properties (such as structural, functional, and spatial information, amino acid conservation, physicochemical variation, residue mobility, and thermodynamic stability) performed at Invitae indicates that this missense variant is not expected to disrupt LZTR1 protein function with a negative predictive value of 80%. In summary, the available evidence is currently insufficient to determine the role of this variant in disease. Therefore, it has been classified as a Variant of Uncertain Significance.

NM_006767.4(LZTR1):c.2399T>G (p.Phe800Cys)

Gene: LZTR1 (leucine zipper like post translational regulator 1; plus strand). Cytogenetic location: 22q11.21.
Variant type: single nucleotide variant.
Coding change: c.2399T>G on transcript NM_006767.4 (MANE Select); coding-DNA position 2399, T replaced by G.
Protein change: p.Phe800Cys; replaces phenylalanine 800 with cysteine.
Molecular consequence: missense variant.
Genome position (GRCh38, 1-based): chr22:20,996,959, T>G. VCF-style: chr22-20996959-T-G. GRCh37 (hg19) VCF-style: chr22-21351248-T-G.
Other names: short protein forms F800C.
Identifiers: ClinVar variation 1720019 (VCV001720019.5), dbSNP rs745373483, ClinGen allele CA10119387.